The following is an entry in ClinVar:

ClinVar aggregate classification (germline): Uncertain significance. Review status: criteria provided, multiple submitters, no conflicts (2 of 4 stars). 2 submissions from 2 submitters: Uncertain significance (2). Last evaluated 2023-01-01.

Allele frequency attached by ClinVar (database versions not stated): gnomAD exomes 0.00001 and 0.00002; ExAC 0.00002.
gnomAD v4.1: 12 of 1,613,996 alleles (0.00074%); highest among the groups gnomAD compares: Non-Finnish European, 0.00085%; no homozygotes.

Submissions (2):

CeGaT Center for Human Genetics Tuebingen
Classification: Uncertain significance. Last evaluated: 2023-01-01. Review status: criteria provided, single submitter. Criteria: CeGaT Center For Human Genetics Tuebingen Variant Classification Criteria Version 2. Collection method: clinical testing. Allele origin: germline. Affected: yes. Observed: 1 variant allele.
Comment: PHYH: PM2, BP4

Labcorp Genetics (formerly Invitae), Labcorp
Classification: Uncertain significance. Last evaluated: 2022-02-23. Review status: criteria provided, single submitter. Criteria: Invitae Variant Classification Sherloc (09022015). Collection method: clinical testing. Allele origin: germline.
Comment: This sequence change replaces alanine, which is neutral and non-polar, with valine, which is neutral and non-polar, at codon 314 of the PHYH protein (p.Ala314Val). This variant is present in population databases (rs777147459, gnomAD 0.004%). This variant has not been reported in the literature in individuals affected with PHYH-related conditions. Algorithms developed to predict the effect of missense changes on protein structure and function output the following: SIFT: "Tolerated"; PolyPhen-2: "Benign"; Align-GVGD: "Class C0". The valine amino acid residue is found in multiple mammalian species, which suggests that this missense change does not adversely affect protein function. In summary, the available evidence is currently insufficient to determine the role of this variant in disease. Therefore, it has been classified as a Variant of Uncertain Significance.

NM_006214.4(PHYH):c.941C>T (p.Ala314Val)

Gene: PHYH (phytanoyl-CoA 2-hydroxylase; minus strand). Cytogenetic location: 10p13.
Variant type: single nucleotide variant.
Coding change: c.941C>T on transcript NM_006214.4 (MANE Select); coding-DNA position 941, C replaced by T.
Protein change: p.Ala314Val; replaces alanine 314 with valine.
Molecular consequence: missense variant.
Genome position (GRCh38, 1-based): chr10:13,280,998, G>A on the plus strand (C>T on the coding strand, the complement: PHYH is on the minus strand). VCF-style: chr10-13280998-G-A. GRCh37 (hg19) VCF-style: chr10-13322998-G-A.
Other names: c.641C>T, p.Ala214Val (NM_001037537.2, NM_001323080.2); c.947C>T, p.Ala316Val (NM_001323082.2); c.677C>T, p.Ala226Val (NM_001323083.2); c.647C>T, p.Ala216Val (NM_001323084.2); short protein forms A214V, A226V, A216V, A316V, A314V.
Identifiers: ClinVar variation 1389794 (VCV001389794.30), dbSNP rs777147459, ClinGen allele CA5412201.
Genomic context (GRCh38, chr10:13,280,998, plus strand): 5'-ACCTGAGATTTTTACCTTGCTATTGTATACAAACATACCTTCAAGTTCACGCTATTTTCA[G>A]CTCCAAAGAATTTATGTGCTATTCCTACAACTTCCTTCTCGATGTTTTCTTGACTGGTGC-3'
Protein context (NP_006205.1, residues 304-324): VVGIAHKFFG[Ala314Val]ENSVNLKDIW